The following is an entry in ClinVar:

ClinVar aggregate classification (germline): Uncertain significance. Review status: criteria provided, multiple submitters, no conflicts (2 of 4 stars). 2 submissions from 2 submitters: Uncertain significance (2). Last evaluated 2025-10-13.

Conditions:
Hereditary pheochromocytoma and paraganglioma. Also called: Hereditary paragangliomas and pheochromocytomas; Hereditary Paraganglioma-Pheochromocytoma Syndromes; Hereditary pheochromocytoma-paraganglioma. Identifiers: Orphanet 29072, MedGen C4274332, MONDO:0017366.
Hereditary cancer-predisposing syndrome. Also called: Tumor predisposition; Hereditary Cancer Syndrome; Hereditary neoplastic syndrome; Neoplastic Syndromes, Hereditary. Identifiers: Orphanet 140162, MedGen C0027672, MeSH D009386, MONDO:0015356.

Submissions (2):

Ambry Genetics
Classification: Uncertain significance for Hereditary cancer-predisposing syndrome. Last evaluated: 2025-10-13. Review status: criteria provided, single submitter. Criteria: Ambry Variant Classification Scheme 2023. Collection method: clinical testing. Allele origin: germline.
Comment: The p.L135P variant (also known as c.404T>C), located in coding exon 2 of the TMEM127 gene, results from a T to C substitution at nucleotide position 404. The leucine at codon 135 is replaced by proline, an amino acid with similar properties. This amino acid position is conserved. In addition, this alteration is predicted to be deleterious by in silico analysis. Based on the available evidence, the clinical significance of this variant remains unclear.

Labcorp Genetics (formerly Invitae), Labcorp
Classification: Uncertain significance for Hereditary pheochromocytoma and paraganglioma. Last evaluated: 2025-07-31. Review status: criteria provided, single submitter. Criteria: Invitae Variant Classification Sherloc (09022015). Collection method: clinical testing. Allele origin: germline.
Comment: This sequence change replaces leucine, which is neutral and non-polar, with proline, which is neutral and non-polar, at codon 135 of the TMEM127 protein (p.Leu135Pro). This variant is present in population databases (no rsID available, gnomAD 0.03%). This variant has not been reported in the literature in individuals affected with TMEM127-related conditions. ClinVar contains an entry for this variant (Variation ID: 1467916). An algorithm developed to predict the effect of missense changes on protein structure and function (PolyPhen-2) suggests that this variant is likely to be disruptive. In summary, the available evidence is currently insufficient to determine the role of this variant in disease. Therefore, it has been classified as a Variant of Uncertain Significance.

NM_017849.4(TMEM127):c.404T>C (p.Leu135Pro)

Gene: TMEM127 (transmembrane protein 127; minus strand). Cytogenetic location: 2q11.2.
Variant type: single nucleotide variant.
Coding change: c.404T>C on transcript NM_017849.4 (MANE Select); coding-DNA position 404, T replaced by C.
Protein change: p.Leu135Pro; replaces leucine 135 with proline.
Molecular consequence: missense variant.
Genome position (GRCh38, 1-based): chr2:96,254,838, A>G on the plus strand (T>C on the coding strand, the complement: TMEM127 is on the minus strand). VCF-style: chr2-96254838-A-G. GRCh37 (hg19) VCF-style: chr2-96920576-A-G.
Other names: c.404T>C (NM_017849.3); c.404T>C, p.Leu135Pro (NM_001193304.3); short protein forms L135P.
Identifiers: ClinVar variation 1467916 (VCV001467916.9), dbSNP rs1347547225, ClinGen allele CA347653258.